The following is an entry in ClinVar:

NM_017763.6(RNF43):c.1359A>T (p.Glu453Asp)

Gene: RNF43 (ring finger protein 43; minus strand). Cytogenetic location: 17q22.
Variant type: single nucleotide variant.
Coding change: c.1359A>T on transcript NM_017763.6 (MANE Select); coding-DNA position 1359, A replaced by T.
Protein change: p.Glu453Asp; replaces glutamic acid 453 with aspartic acid.
Molecular consequence: missense variant.
Genome position (GRCh38, 1-based): chr17:58,358,417, T>A on the plus strand (A>T on the coding strand, the complement: RNF43 is on the minus strand). VCF-style: chr17-58358417-T-A. GRCh37 (hg19) VCF-style: chr17-56435778-T-A.
Other names: c.1359A>T, p.Glu453Asp (NM_001305544.3); c.978A>T, p.Glu326Asp (NM_001305545.2); short protein forms E453D, E326D.
Identifiers: ClinVar variation 3789936 (VCV003789936.1).

ClinVar aggregate classification (germline): Uncertain significance (1 of 4 stars; one submission).

gnomAD v4.1: 2 of 1,614,084 alleles (0.00012%); highest among the groups gnomAD compares: Non-Finnish European, 0.00017%; no homozygotes.

Submission:

Ambry Genetics
Classification: Uncertain significance. Last evaluated: 2025-02-09. Review status: criteria provided, single submitter. Criteria: Ambry Variant Classification Scheme 2023. Collection method: clinical testing. Allele origin: germline.
Comment: The p.E453D variant (also known as c.1359A>T), located in coding exon 8 of the RNF43 gene, results from an A to T substitution at nucleotide position 1359. The glutamic acid at codon 453 is replaced by aspartic acid, an amino acid with highly similar properties. This amino acid position is conserved. In addition, this alteration is predicted to be tolerated by in silico analysis. Based on the available evidence, the clinical significance of this variant remains unclear.